The following is an entry in ClinVar:

NM_213599.3(ANO5):c.692G>T (p.Gly231Val)

Gene: ANO5 (anoctamin 5; plus strand). Cytogenetic location: 11p14.3.
Variant type: single nucleotide variant.
Coding change: c.692G>T on transcript NM_213599.3 (MANE Select); coding-DNA position 692, G replaced by T.
Protein change: p.Gly231Val; replaces glycine 231 with valine.
Molecular consequence: missense variant.
Genome position (GRCh38, 1-based): chr11:22,236,206, G>T. VCF-style: chr11-22236206-G-T. GRCh37 (hg19) VCF-style: chr11-22257752-G-T.
Other names: G231V; NM_213599.3(ANO5):c.692G>T; c.689G>T, p.Gly230Val (NM_001142649.2); short protein forms G230V.
Identifiers: ClinVar variation 2165 (VCV000002165.127), dbSNP rs137854523, ClinGen allele CA224418.

ClinVar aggregate classification (germline): Likely pathogenic. Review status: reviewed by expert panel (3 of 4 stars). 33 submissions from 33 submitters: Likely pathogenic (1). 32 of the submissions do not count toward it. Last evaluated 2026-02-24.

Conditions:
Gnathodiaphyseal dysplasia (GDD). Also called: GNATHODIAPHYSEAL SCLEROSIS; OSTEOGENESIS IMPERFECTA WITH UNUSUAL SKELETAL LESIONS. Identifiers: Orphanet 53697, MedGen C1833736, MONDO:0008151, OMIM 166260.
Autosomal recessive limb-girdle muscular dystrophy type 2L (LGMDR12). Also called: Limb-Girdle Muscular Dystrophy R12 Anoctamin-5-Related (LGMD-R12); MUSCULAR DYSTROPHY, LIMB-GIRDLE, AUTOSOMAL RECESSIVE 12; Limb-girdle muscular dystrophy, type 2L. Identifiers: Orphanet 206549, MedGen C1969785, MONDO:0012652, OMIM 611307.
Acute rhabdomyolysis. Identifiers: MedGen C3807306, HP:0008942.
ANO5-related disorder. Also called: ANO5-related disorders; ANO5-related condition. Identifiers: MedGen CN239193.
Autosomal recessive limb-girdle muscular dystrophy. Identifiers: Orphanet 102015, MedGen C2931907, MONDO:0015152.
Miyoshi muscular dystrophy 3 (MMD3). Also called: Miyoshi Muscular Dystrophy 3 (MMD3); Miyoshi myopathy 3. Identifiers: Orphanet 399096, MedGen C2750076, MONDO:0013222, OMIM 613319.
Hereditary fructosuria. Also called: ALDOB DEFICIENCY; ALDOLASE B DEFICIENCY; FRUCTOSE-1,6-BISPHOSPHATE ALDOLASE B DEFICIENCY; FRUCTOSE-1-PHOSPHATE ALDOLASE DEFICIENCY; FRUCTOSEMIA; Hereditary fructose intolerance. Identifiers: Orphanet 469, MedGen C0016751, MONDO:0009249, OMIM 229600, HP:0005973. Disease mechanism: loss of function.

Allele frequency attached by ClinVar (database versions not stated): gnomAD 0.00099 and 0.00098; ExAC 0.00105; 1000 Genomes Project 30x 0.00047; TOPMed 0.00116; 1000 Genomes Project 0.00040; gnomAD exomes 0.00136 and 0.00103.
gnomAD v4.1: 2,127 of 1,613,328 alleles (0.13%); highest among the groups gnomAD compares: Admixed American, 0.26%; 4 homozygotes.

Submissions 1 to 10 of 35:

ClinGen Limb Girdle Muscular Dystrophy Variant Curation Expert Panel, ClinGen
Classification: Likely pathogenic for Autosomal recessive limb-girdle muscular dystrophy. Last evaluated: 2026-02-24. Review status: reviewed by expert panel. Criteria: ClinGen LGMD VCEP ACMG Specifications ANO5 V2.0.0. Collection method: curation. Allele origin: germline. Inheritance: Autosomal recessive inheritance.
Comment: The NM_213599.3: c.692G>T variant in ANO5 is a missense variant expected to result in the substitution of glycine for valine at amino acid 231, p.(Gly231Val). The Grpmax FAF for this variant is 0.002635 in gnomAD v4.1.0, which is greater than the VCEP threshold of 0.001 for BS1. However, this variant is recognized as one of the most common pathogenic variants in ANO5, and the VCEP opted not to apply this code (BS1 exception). The Total population also includes four homozygous individuals, but variants in ANO5 can be associated with mild and late onset disease, and the VCEP does not consider this evidence contradictory with the pathogenicity of this variant. Across a selection of the available data, this variant has been identified in over 20 individuals with features consistent with LGMD (PMID: 34008892, 36575883, 25891276, 32925086, 35628876, 31353849; LOVD ANO5_000005; GRASP-LGMD Consortium internal data communication). These observations include eight unrelated patients in whom it was reported in unconfirmed phase with a pathogenic variant (c.191dup p.(Asn64LysfsTer15) x6, 3.0 pts, PMID: 35628876, 31353849, GRASP-LGMD Consortium internal data communication; c.1898+1G>A, 0.5 pts, GRASP-LGMD Consortium internal data communication; c.2272C>T p.(Arg758Cys), 0.5 pts, GRASP-LGMD Consortium internal data communication) (PM3_Very Strong). This variant has also been reported in a homozygous state in at least four unrelated patients experiencing muscle weakness and with signs of atrophy or dystrophy on muscle biopsy (PMID: 25891276, 31353849). At least one patient with this variant and a second presumed diagnostic ANO5 allele exhibited limb girdle muscle weakness and had a clinical diagnosis of LGMD (PP4). The computational predictor REVEL gives a score of 0.49 (PP3, BP4 not met). In summary, this variant is classified as Likely Pathogenic for autosomal recessive limb girdle muscular dystrophy based on the ACMG/AMP criteria applied, as specified by the ClinGen LGMD VCEP (specifications version 2.0.0, 02/24/2026): PM3_Very Strong, PP4.

CeGaT Center for Human Genetics Tuebingen
Classification: Likely pathogenic. Last evaluated: 2026-09-01. Review status: criteria provided, single submitter. Criteria: CeGaT Center For Human Genetics Tuebingen Variant Classification Criteria Version 2. Collection method: clinical testing. Allele origin: germline. Affected: yes. Observed: 16 variant alleles. Not counted in ClinVar's aggregate classification.
Comment: ANO5: PM3:Very Strong, PM2:Supporting, BP4

Dasa
Classification: Pathogenic. Last evaluated: 2026-04-06. Review status: criteria provided, single submitter. Criteria: DASA Assertion Criteria. Collection method: clinical testing. Allele origin: germline. Not counted in ClinVar's aggregate classification.
Comment: NM_213599.3(ANO5):c.692G>T (p.Gly231Val) is a missense variant that results in the substitution of glycine with valine. This variant has been recurrently observed in individuals with related phenotype (PMID: 32367299; PMID: 31353849; PMID: 25891276; PMID: 23606453; PMID: 20096397). Segregation evidence has been reported in affected families. The variant is present at low frequency in population datasets. Based on the available data, this variant is classified as pathogenic.

Labcorp Genetics (formerly Invitae), Labcorp
Classification: Pathogenic for Autosomal recessive limb-girdle muscular dystrophy type 2L; Gnathodiaphyseal dysplasia. Last evaluated: 2026-01-23. Review status: criteria provided, single submitter. Criteria: Invitae Variant Classification Sherloc (09022015). Collection method: clinical testing. Allele origin: germline. Not counted in ClinVar's aggregate classification.
Comment: This sequence change replaces glycine, which is neutral and non-polar, with valine, which is neutral and non-polar, at codon 231 of the ANO5 protein (p.Gly231Val). This variant is present in population databases (rs137854523, gnomAD 0.2%), including at least one homozygous and/or hemizygous individual. This missense change has been observed in individual(s) with autosomal recessive limb-girdle muscular dystrophy type 2 (LGMD2), Miyoshi-like muscle dystrophy, and hyperCKemia (PMID: 20096397, 22402862, 22980763, 23041008, 23606453, 23670307, 25891276, 26810512, 32646536; internal data). In at least one individual the data is consistent with being in trans (on the opposite chromosome) from a pathogenic variant. ClinVar contains an entry for this variant (Variation ID: 2165). Invitae Evidence Modeling of protein sequence and biophysical properties (such as structural, functional, and spatial information, amino acid conservation, physicochemical variation, residue mobility, and thermodynamic stability) indicates that this missense variant is expected to disrupt ANO5 protein function with a positive predictive value of 95%. For these reasons, this variant has been classified as Pathogenic.

Clinical Genetics Laboratory, University Hospital Schleswig-Holstein
Classification: Likely pathogenic for Autosomal recessive limb-girdle muscular dystrophy type 2L; Miyoshi muscular dystrophy 3. Last evaluated: 2025-11-21. Review status: criteria provided, single submitter. Criteria: ACMG Guidelines, 2015. Collection method: clinical testing. Allele origin: germline. Affected: yes. Observed: 1 heterozygote. Not counted in ClinVar's aggregate classification.
Comment: ACMG criteria applied: PS4, PM3

NHS Central & South Genomic Laboratory Hub
Classification: Likely pathogenic for Acute Rhabdomyolysis. Last evaluated: 2025-10-21. Review status: criteria provided, single submitter. Criteria: ACMG Guidelines, 2015. Collection method: clinical testing. Allele origin: germline. Affected: yes. Not counted in ClinVar's aggregate classification.

GeneDx
Classification: Pathogenic. Last evaluated: 2025-08-25. Review status: criteria provided, single submitter. Criteria: GeneDx Variant Classification Process June 2021. Collection method: clinical testing. Allele origin: germline. Affected: yes. Not counted in ClinVar's aggregate classification.
Comment: In silico analysis supports that this missense variant has a deleterious effect on protein structure/function; This variant is associated with the following publications: (PMID: 23193613, 22402862, 23670307, 26810512, 30564623, 30919934, 23047743, 22742934, 23041008, 25891276, 22980763, 20096397, 28489263, 31353849, 31931849, 34426522, 31589614, 34008892, 32403337, 35239206, 31980526, 32528171, 32399982, 33879512, 36913258, 23663589, 32367299, 32925086, 28176803, 23606453)

Revvity Omics, Revvity
Classification: Pathogenic. Last evaluated: 2025-06-23. Review status: criteria provided, single submitter. Criteria: ACMG Guidelines, 2015. Collection method: clinical testing. Allele origin: germline. Not counted in ClinVar's aggregate classification.

PreventionGenetics, part of Exact Sciences
Classification: Pathogenic for ANO5-related condition. Last evaluated: 2025-03-12. Review status: criteria provided, single submitter. Criteria: ACMG Guidelines, 2015. Collection method: clinical testing. Allele origin: germline. Not counted in ClinVar's aggregate classification.
Comment: The ANO5 c.692G>T variant is predicted to result in the amino acid substitution p.Gly231Val. This variant has been reported in several unrelated individuals to be causative for limb girdle muscular dystrophy 2L (Bolduc et al. 2010. PubMed ID: 20096397; Wahbi et al. 2013. PubMed ID: 23041008; Savarese et al. 2015. PubMed ID: 25891276). In addition, we have seen this variant in the homozygous and compound heterozygous state in other patients at PreventionGenetics with muscular dystrophy. This variant is reported in 0.27% of alleles in individuals of Latino descent in gnomAD. In summary, we categorize the c.692G>T variant as pathogenic for autosomal recessive ANO5-related disorders.

Blueprint Genetics
Classification: Pathogenic for ANO5-related disorders. Last evaluated: 2024-11-08. Review status: criteria provided, single submitter. Criteria: ACMG Guidelines, 2015. Collection method: clinical testing. Allele origin: germline. Affected: yes. Observed: 5 variant alleles. Not counted in ClinVar's aggregate classification.